The following is an entry in ClinVar:

ClinVar aggregate classification (germline): Pathogenic/Likely pathogenic. Review status: criteria provided, multiple submitters, no conflicts (2 of 4 stars). 3 submissions from 3 submitters: Pathogenic (2); Likely pathogenic (1). Last evaluated 2019-06-05.

Conditions:
Gorlin syndrome. Also called: Nevoid Basal Cell Carcinoma Syndrome; Basal cell nevus syndrome. Identifiers: Orphanet 377, MedGen C0004779, MONDO:0007187.
Holoprosencephaly 7 (HPE7). Identifiers: Orphanet 2162, MedGen C1835820, MONDO:0012562, OMIM 610828.
Hereditary cancer-predisposing syndrome. Also called: Neoplastic Syndromes, Hereditary; Tumor predisposition; Hereditary Cancer Syndrome; Hereditary neoplastic syndrome. Identifiers: Orphanet 140162, MedGen C0027672, MeSH D009386, MONDO:0015356.

Submissions (3):

Ambry Genetics
Classification: Likely pathogenic for Hereditary cancer-predisposing syndrome. Last evaluated: 2019-06-05. Review status: criteria provided, single submitter. Criteria: Ambry Variant Classification Scheme 2023. Collection method: clinical testing. Allele origin: germline.
Comment: The c.1216-1G>A intronic variant results from a G to A substitution one nucleotide upstream from coding exon 9 of the PTCH1 gene. This nucleotide position is highly conserved in available vertebrate species. Using the BDGP and ESEfinder splice site prediction tools, this alteration is predicted to abolish the native splice acceptor site; however, direct evidence is unavailable. Alterations that disrupt the canonical splice site are expected to cause aberrant splicing, resulting in an abnormal protein or a transcript that is subject to nonsense-mediated mRNA decay. As such, this alteration is classified as likely pathogenic.

Baylor Genetics
Classification: Pathogenic for Basal cell nevus syndrome 1. Last evaluated: 2017-09-01. Review status: criteria provided, single submitter. Criteria: ACMG Guidelines, 2015. Collection method: clinical testing. Allele origin: paternal. Inheritance: Autosomal dominant inheritance. Affected: yes.

Suma Genomics
Classification: Pathogenic for Basal cell nevus syndrome 1; Holoprosencephaly 7. Review status: criteria provided, single submitter. Criteria: ACMG Guidelines, 2015. Collection method: clinical testing. Allele origin: inherited. Inheritance: Autosomal dominant inheritance. Affected: yes.

Literature cited by the submitters: PubMed 25326635 (cited by Baylor Genetics).

NM_000264.5(PTCH1):c.1216-1G>A

Gene: PTCH1 (patched 1; minus strand). Cytogenetic location: 9q22.32.
Variant type: single nucleotide variant.
Coding change: c.1216-1G>A on transcript NM_000264.5 (MANE Select); the canonical splice acceptor site of the intron before coding-DNA position 1216, G replaced by A.
Molecular consequence: splice acceptor variant.
Genome position (GRCh38, 1-based): chr9:95,478,187, C>T on the plus strand (G>A on the coding strand, the complement: PTCH1 is on the minus strand). VCF-style: chr9-95478187-C-T. GRCh37 (hg19) VCF-style: chr9-98240469-C-T.
Other names: c.1213-1G>A (NM_001083603.3); c.1018-1G>A (NM_001083602.3); c.1216-1G>A (NM_001354918.2); c.763-1G>A (NM_001083605.3, NM_001083604.3, NM_001083606.3 and 1 more transcripts).
Identifiers: ClinVar variation 561094 (VCV000561094.7), dbSNP rs1564051834, ClinGen allele CA374119021.